The following is an entry in ClinVar:

NM_020937.4(FANCM):c.706A>G (p.Thr236Ala)

Gene: FANCM (FA complementation group M; plus strand). Cytogenetic location: 14q21.2.
Variant type: single nucleotide variant.
Coding change: c.706A>G on transcript NM_020937.4 (MANE Select); coding-DNA position 706, A replaced by G.
Protein change: p.Thr236Ala; replaces threonine 236 with alanine.
Molecular consequence: missense variant. On other transcripts: intron variant (1).
Genome position (GRCh38, 1-based): chr14:45,140,656, A>G. VCF-style: chr14-45140656-A-G. GRCh37 (hg19) VCF-style: chr14-45609859-A-G.
Other names: c.706A>G, p.Thr236Ala (NM_001308134.2); c.681+3415A>G (NM_001308133.2); short protein forms T236A.
Identifiers: ClinVar variation 2499749 (VCV002499749.1), dbSNP rs2503052330, ClinGen allele CA389589080.
Genomic context (GRCh38, chr14:45,140,656, plus strand): 5'-GAACAGATGAAACTAAAGAACTTTTTTTTTCTTAAGGTTGTAAGAGAACTAGTCAAATAT[A>G]CAAATCACTTTAGAATCTTGGCTCTAAGTGCCACACCAGGTAGTGATATAAAGGTAAGTA-3'
Protein context (NP_065988.1, residues 226-246): CQVVRELVKY[Thr236Ala]NHFRILALSA

ClinVar aggregate classification (germline): Uncertain significance (1 of 4 stars; one submission).

Submission:

GeneDx
Classification: Uncertain significance. Last evaluated: 2022-10-20. Review status: criteria provided, single submitter. Criteria: GeneDx Variant Classification Process June 2021. Collection method: clinical testing. Allele origin: germline. Affected: yes.
Comment: Not observed at significant frequency in large population cohorts (gnomAD); In silico analysis supports that this missense variant has a deleterious effect on protein structure/function; Has not been previously published as pathogenic or benign to our knowledge